The following is an entry in ClinVar:

ClinVar aggregate classification (germline): Uncertain significance (1 of 4 stars; one submission).

Conditions:
BAP1-related tumor predisposition syndrome (TPDS1). Also called: COMMON Syndrome; TUMOR PREDISPOSITION SYNDROME 1; Tumor susceptibility linked to germline BAP1 mutations; BAP1 tumor predisposition syndrome. Identifiers: Orphanet 289539, MedGen C3280492, MONDO:0013692, OMIM 614327.

Submission:

Labcorp Genetics (formerly Invitae), Labcorp
Classification: Uncertain significance for BAP1-related tumor predisposition syndrome. Last evaluated: 2025-11-27. Review status: criteria provided, single submitter. Criteria: Invitae Variant Classification Sherloc (09022015). Collection method: clinical testing. Allele origin: germline.
Comment: This sequence change replaces asparagine, which is neutral and polar, with histidine, which is basic and polar, at codon 102 of the BAP1 protein (p.Asn102His). This variant is not present in population databases (gnomAD no frequency). This variant has not been reported in the literature in individuals affected with BAP1-related conditions. Invitae Evidence Modeling of protein sequence and biophysical properties (such as structural, functional, and spatial information, amino acid conservation, physicochemical variation, residue mobility, and thermodynamic stability) indicates that this missense variant is expected to disrupt BAP1 protein function with a positive predictive value of 80%. In summary, the available evidence is currently insufficient to determine the role of this variant in disease. Therefore, it has been classified as a Variant of Uncertain Significance.

NM_004656.4(BAP1):c.304A>C (p.Asn102His)

Gene: BAP1 (BRCA1 associated deubiquitinase 1; minus strand). Cytogenetic location: 3p21.1.
Variant type: single nucleotide variant.
Coding change: c.304A>C on transcript NM_004656.4 (MANE Select); coding-DNA position 304, A replaced by C.
Protein change: p.Asn102His; replaces asparagine 102 with histidine.
Molecular consequence: missense variant.
Genome position (GRCh38, 1-based): chr3:52,408,029, T>G on the plus strand (A>C on the coding strand, the complement: BAP1 is on the minus strand). VCF-style: chr3-52408029-T-G. GRCh37 (hg19) VCF-style: chr3-52442045-T-G.
Other names: c.304A>C, p.Asn102His (NM_001410772.1); short protein forms N102H.
Identifiers: ClinVar variation 4744593 (VCV004744593.1).
Genomic context (GRCh38, chr3:52,408,029, plus strand): 5'-AACCCTTGGTGAAGTCCTTCATGCGACTCAGGGTGGGTCCCAGGTCCACGCTGCTGCAGT[T>G]CAGGAGCACGCTCAGCAAGGCATGAGTTGCACAAGAGTTGGGTATCAGCTGTGAAACCAA-3'
Protein context (NP_004647.1, residues 92-112): ATHALLSVLL[Asn102His]CSSVDLGPTL